The following is an entry in ClinVar:

ClinVar aggregate classification (germline): Pathogenic (1 of 4 stars; one submission).

Submission:

Labcorp Genetics (formerly Invitae), Labcorp
Classification: Pathogenic. Last evaluated: 2022-09-19. Review status: criteria provided, single submitter. Criteria: Invitae Variant Classification Sherloc (09022015). Collection method: clinical testing. Allele origin: germline.
Comment: This sequence change creates a premature translational stop signal (p.Trp210*) in the SLC12A6 gene. It is expected to result in an absent or disrupted protein product. Loss-of-function variants in SLC12A6 are known to be pathogenic (PMID: 12368912, 16606917). This variant is not present in population databases (gnomAD no frequency). This variant has not been reported in the literature in individuals affected with SLC12A6-related conditions. Algorithms developed to predict the effect of sequence changes on RNA splicing suggest that this variant may disrupt the consensus splice site. For these reasons, this variant has been classified as Pathogenic.

Literature cited by the submitters: PubMed 12368912; PubMed 16606917.

NM_001365088.1(SLC12A6):c.629G>A (p.Trp210Ter)

Genes: SLC12A6 (solute carrier family 12 member 6; minus strand), LOC129390683 (MPRA-validated peak2292 silencer; plus strand). Cytogenetic location: 15q14.
Variant type: single nucleotide variant.
Coding change: c.629G>A on transcript NM_001365088.1 (MANE Select); coding-DNA position 629, G replaced by A.
Protein change: p.Trp210Ter; replaces tryptophan 210 with a stop codon.
Molecular consequence: nonsense.
Genome position (GRCh38, 1-based): chr15:34,257,703, C>T on the plus strand (G>A on the coding strand, the complement: SLC12A6 is on the minus strand). VCF-style: chr15-34257703-C-T. GRCh37 (hg19) VCF-style: chr15-34549904-C-T.
Other names: c.452G>A, p.Trp151Ter (NM_001042494.2, NM_001042495.2); c.602G>A, p.Trp201Ter (NM_001042496.2); c.584G>A, p.Trp195Ter (NM_001042497.2); c.476G>A, p.Trp159Ter (NM_005135.2); c.629G>A, p.Trp210Ter (NM_133647.2); short protein forms W151*, W201*, W195*, W159*, W210*.
Identifiers: ClinVar variation 2094419 (VCV002094419.4), dbSNP rs2509832575, ClinGen allele CA391612699.